The following is an entry in ClinVar:

ClinVar aggregate classification (germline): Uncertain significance (1 of 4 stars; one submission).

Conditions:
Aicardi-Goutieres syndrome 2. Identifiers: Orphanet 51, MedGen C3489724, MONDO:0012429, OMIM 610181.

Allele frequency attached by ClinVar (database versions not stated): gnomAD exomes below 0.00001.
gnomAD v4.1: 6 of 1,592,682 alleles (0.00038%); highest among the groups gnomAD compares: Non-Finnish European, 0.00052%; no homozygotes.

Submission:

Labcorp Genetics (formerly Invitae), Labcorp
Classification: Uncertain significance for Aicardi-Goutieres syndrome 2. Last evaluated: 2025-07-14. Review status: criteria provided, single submitter. Criteria: Invitae Variant Classification Sherloc (09022015). Collection method: clinical testing. Allele origin: germline.
Comment: This sequence change replaces isoleucine, which is neutral and non-polar, with valine, which is neutral and non-polar, at codon 150 of the RNASEH2B protein (p.Ile150Val). This variant is not present in population databases (gnomAD no frequency). This variant has not been reported in the literature in individuals affected with RNASEH2B-related conditions. ClinVar contains an entry for this variant (Variation ID: 658259). An algorithm developed to predict the effect of missense changes on protein structure and function outputs the following: PolyPhen-2: "Benign". The valine amino acid residue is found in multiple mammalian species, which suggests that this missense change does not adversely affect protein function. In summary, the available evidence is currently insufficient to determine the role of this variant in disease. Therefore, it has been classified as a Variant of Uncertain Significance.

NM_024570.4(RNASEH2B):c.448A>G (p.Ile150Val)

Gene: RNASEH2B (ribonuclease H2 subunit B; plus strand). Cytogenetic location: 13q14.3.
Variant type: single nucleotide variant.
Coding change: c.448A>G on transcript NM_024570.4 (MANE Select); coding-DNA position 448, A replaced by G.
Protein change: p.Ile150Val; replaces isoleucine 150 with valine.
Molecular consequence: missense variant.
Genome position (GRCh38, 1-based): chr13:50,943,332, A>G. VCF-style: chr13-50943332-A-G. GRCh37 (hg19) VCF-style: chr13-51517468-A-G.
Other names: c.448A>G, p.Ile150Val (NM_001142279.2); short protein forms I150V.
Identifiers: ClinVar variation 658259 (VCV000658259.5), dbSNP rs1593470380, ClinGen allele CA388259377.
Genomic context (GRCh38, chr13:50,943,332, plus strand): 5'-GTTTATTTTTTTTTTAATTCATTGTGCTGAGTCTTTTTTTTCTTTTAAGGTAATCCAGAA[A>G]TAGACAACAAGAAATATTACAAGTACAGCAAAGAGAAGACATTAAAGTGGCTGGAAAAAA-3'
Protein context (NP_078846.2, residues 140-160): HVTEEKGNPE[Ile150Val]DNKKYYKYSK